The following is an entry in ClinVar:

ClinVar aggregate classification (germline): Uncertain significance. Review status: criteria provided, multiple submitters, no conflicts (2 of 4 stars). 2 submissions from 2 submitters: Uncertain significance (2). Last evaluated 2026-02-19.

Conditions:
CHD7-related disorder. Also called: CHD7-related condition.
CHARGE syndrome (CHARGE). Also called: Hittner Hirsch Kreh syndrome; CHARGE ASSOCIATION--COLOBOMA, HEART ANOMALY, CHOANAL ATRESIA, RETARDATION, GENITAL AND EAR ANOMALIES; Coloboma, heart anomaly, choanal atresia, retardation, genital and ear anomalies; CHARGE association; Hall-Hittner syndrome. Identifiers: Orphanet 138, MedGen C0265354, MONDO:0008965.

gnomAD v4.1: 1 of 1,613,896 alleles (0.000062%); highest among the groups gnomAD compares: South Asian, 0.0011%; no homozygotes.

Submissions (2):

PreventionGenetics, part of Exact Sciences
Classification: Uncertain significance for CHD7-related condition. Last evaluated: 2026-02-19. Review status: criteria provided, single submitter. Criteria: ACMG Guidelines, 2015. Collection method: clinical testing. Allele origin: germline.
Comment: The CHD7 c.6456G>T variant is predicted to result in the amino acid substitution p.Gln2152His. To our knowledge, this variant has not been reported in the literature or in a large population database (gnomAD), indicating this variant is rare. At this time, the clinical significance of this variant is uncertain due to the absence of conclusive functional and genetic evidence.

Labcorp Genetics (formerly Invitae), Labcorp
Classification: Uncertain significance for CHARGE syndrome. Last evaluated: 2023-06-03. Review status: criteria provided, single submitter. Criteria: Invitae Variant Classification Sherloc (09022015). Collection method: clinical testing. Allele origin: germline.
Comment: This variant is not present in population databases (gnomAD no frequency). This sequence change replaces glutamine, which is neutral and polar, with histidine, which is basic and polar, at codon 2152 of the CHD7 protein (p.Gln2152His). This variant has not been reported in the literature in individuals affected with CHD7-related conditions. Advanced modeling of protein sequence and biophysical properties (such as structural, functional, and spatial information, amino acid conservation, physicochemical variation, residue mobility, and thermodynamic stability) performed at Invitae indicates that this missense variant is not expected to disrupt CHD7 protein function. In summary, the available evidence is currently insufficient to determine the role of this variant in disease. Therefore, it has been classified as a Variant of Uncertain Significance.

NM_017780.4(CHD7):c.6456G>T (p.Gln2152His)

Gene: CHD7 (chromodomain helicase DNA binding protein 7; plus strand). Cytogenetic location: 8q12.2.
Variant type: single nucleotide variant.
Coding change: c.6456G>T on transcript NM_017780.4 (MANE Select); coding-DNA position 6456, G replaced by T.
Protein change: p.Gln2152His; replaces glutamine 2152 with histidine.
Molecular consequence: missense variant. On other transcripts: intron variant (1).
Genome position (GRCh38, 1-based): chr8:60,853,181, G>T. VCF-style: chr8-60853181-G-T. GRCh37 (hg19) VCF-style: chr8-61765740-G-T.
Other names: c.6456G>T (NM_017780.3); c.1717-9048G>T (NM_001316690.1); short protein forms Q2152H.
Identifiers: ClinVar variation 3019734 (VCV003019734.4), dbSNP rs746961760, ClinGen allele CA371325287.